The following is an entry in ClinVar:

NM_001277115.2(DNAH11):c.727A>G (p.Ile243Val)

Gene: DNAH11 (dynein axonemal heavy chain 11; plus strand). Cytogenetic location: 7p15.3.
Variant type: single nucleotide variant.
Coding change: c.727A>G on transcript NM_001277115.2 (MANE Select); coding-DNA position 727, A replaced by G.
Protein change: p.Ile243Val; replaces isoleucine 243 with valine.
Molecular consequence: missense variant.
Genome position (GRCh38, 1-based): chr7:21,559,637, A>G. VCF-style: chr7-21559637-A-G. GRCh37 (hg19) VCF-style: chr7-21599255-A-G.
Other names: short protein forms I243V.
Identifiers: ClinVar variation 696975 (VCV000696975.17), dbSNP rs189000268, ClinGen allele CA4178769.

ClinVar aggregate classification (germline): Conflicting classifications of pathogenicity. Review status: criteria provided, conflicting classifications (1 of 4 stars). 4 submissions from 4 submitters: Uncertain significance (2); Likely benign (2). Last evaluated 2026-01-31.

Conditions:
Primary ciliary dyskinesia 7. Also called: CILIARY DYSKINESIA, PRIMARY, 7, WITH OR WITHOUT SITUS INVERSUS. Identifiers: Orphanet 244, MedGen C2678473, MONDO:0012748, OMIM 611884.
Primary ciliary dyskinesia. Also called: Ciliary dyskinesia. Identifiers: Orphanet 244, MedGen C0008780, MONDO:0016575, HP:0012265.

Allele frequency attached by ClinVar (database versions not stated): ESP Exome Variant Server 0.00008; ExAC 0.00023; gnomAD 0.00038; TOPMed 0.00043; 1000 Genomes Project 30x 0.00047; 1000 Genomes Project 0.00060.
gnomAD v4.1: 175 of 1,611,466 alleles (0.011%); highest among the groups gnomAD compares: East Asian, 0.26%; no homozygotes.

Submissions (4):

Labcorp Genetics (formerly Invitae), Labcorp
Classification: Likely benign for Primary ciliary dyskinesia. Last evaluated: 2026-01-31. Review status: criteria provided, single submitter. Criteria: Invitae Variant Classification Sherloc (09022015). Collection method: clinical testing. Allele origin: germline.

ARUP Laboratories, Molecular Genetics and Genomics, ARUP Laboratories
Classification: Uncertain significance for Primary ciliary dyskinesia 7. Last evaluated: 2024-05-20. Review status: criteria provided, single submitter. Criteria: ARUP Molecular Germline Variant Investigation Process 2024. Collection method: clinical testing. Allele origin: germline.
Comment: The DNAH11 c.727A>G; p.Ile243Val variant (rs189000268; ClinVar Variation ID: 696975) is reported in the literature in multiple individuals affected with congenital heart disease/heterotaxy syndrome or otherwise suspected of a primary ciliary dyskinesia (Liu 2019 and Guan 2021). This variant is found in the East Asian population with an allele frequency of 0.36% 67/19392 alleles) in the Genome Aggregation Database (v2.1.1). Computational analyses predict that this variant is neutral (REVEL: 0.071). However, given the lack of clinical and functional data, the significance of this variant is uncertain at this time. References: Guan Y et al. Clinical and Genetic Spectrum of Children With Primary Ciliary Dyskinesia in China. Chest. 2021 May;159(5):1768-1781. PMID: 33577779 Liu S et al. DNAH11 variants and its association with congenital heart disease and heterotaxy syndrome. Sci Rep. 2019 Apr 30;9(1):6683. PMID: 31040315

Ambry Genetics
Classification: Likely benign for Primary ciliary dyskinesia. Last evaluated: 2019-04-15. Review status: criteria provided, single submitter. Criteria: Ambry Variant Classification Scheme 2023. Collection method: clinical testing. Allele origin: germline.

Illumina Laboratory Services, Illumina
Classification: Uncertain significance for Primary ciliary dyskinesia 7. Last evaluated: 2018-04-20. Review status: criteria provided, single submitter. Criteria: ICSL Variant Classification Criteria 13 December 2019. Collection method: clinical testing. Allele origin: germline.